The following is an entry in ClinVar:

ClinVar aggregate classification (germline): Uncertain significance (1 of 4 stars; one submission).

Conditions:
Cohen syndrome (COH1). Also called: PEPPER SYNDROME; Cutis verticis gyrata, retinitis pigmentosa, and sensorineural deafness. Identifiers: Orphanet 193, MedGen C0265223, MONDO:0008999, OMIM 216550.

Submission:

Labcorp Genetics (formerly Invitae), Labcorp
Classification: Uncertain significance for Cohen syndrome. Last evaluated: 2022-12-16. Review status: criteria provided, single submitter. Criteria: Invitae Variant Classification Sherloc (09022015). Collection method: clinical testing. Allele origin: germline.
Comment: This variant has not been reported in the literature in individuals affected with VPS13B-related conditions. In summary, the available evidence is currently insufficient to determine the role of this variant in disease. Therefore, it has been classified as a Variant of Uncertain Significance. Advanced modeling of protein sequence and biophysical properties (such as structural, functional, and spatial information, amino acid conservation, physicochemical variation, residue mobility, and thermodynamic stability) has been performed at Invitae for this missense variant, however the output from this modeling did not meet the statistical confidence thresholds required to predict the impact of this variant on VPS13B protein function. This variant is not present in population databases (gnomAD no frequency). This sequence change replaces alanine, which is neutral and non-polar, with valine, which is neutral and non-polar, at codon 3467 of the VPS13B protein (p.Ala3467Val).

NM_152564.5(VPS13B):c.10325C>T (p.Ala3442Val)

Gene: VPS13B (vacuolar protein sorting 13 homolog B; plus strand). Cytogenetic location: 8q22.2.
Variant type: single nucleotide variant.
Coding change: c.10325C>T on transcript NM_152564.5 (MANE Select); coding-DNA position 10325, C replaced by T.
Protein change: p.Ala3442Val; replaces alanine 3442 with valine.
Molecular consequence: missense variant.
Genome position (GRCh38, 1-based): chr8:99,853,714, C>T. VCF-style: chr8-99853714-C-T. GRCh37 (hg19) VCF-style: chr8-100865942-C-T.
Other names: c.10400C>T, p.Ala3467Val (NM_017890.5); short protein forms A3442V, A3467V.
Identifiers: ClinVar variation 2881320 (VCV002881320.2), dbSNP rs2492237760, ClinGen allele CA371781579.
Genomic context (GRCh38, chr8:99,853,714, plus strand): 5'-TCTGCTGTGGGGACCTGCAGCTAGACAACCAGCTTTATAACAAGTCCAATTTCCACTTTG[C>T]TGTCTTAGTCTGCCAGGGAGAAAAAGCAGAACCCATTCAGTGTTCCAAAATGCAGAGTCT-3'
Protein context (NP_689777.3, residues 3432-3452): QLYNKSNFHF[Ala3442Val]VLVCQGEKAE